The following is an entry in ClinVar:

ClinVar aggregate classification (germline): Benign/Likely benign. Review status: criteria provided, multiple submitters, no conflicts (2 of 4 stars). 9 submissions from 9 submitters: Benign (3); Likely benign (4). 2 of the submissions do not count toward it. Last evaluated 2026-01-27.

Conditions:
SCN10A-related disorder. Also called: SCN10A-related condition.
Cardiovascular phenotype. Identifiers: MedGen CN230736.
Brugada syndrome. Also called: Sudden Unexplained Death Syndrome; Sudden Unexplained Nocturnal Death Syndrome (SUNDS); Sudden unexpected nocturnal death syndrome; Sudden unexplained nocturnal death syndrome. Identifiers: Orphanet 130, MedGen C1142166, MONDO:0015263.

Allele frequency attached by ClinVar (database versions not stated): 1000 Genomes Project 0.00020; 1000 Genomes Project 30x 0.00047; TOPMed 0.00065; ExAC 0.00081; ESP Exome Variant Server 0.00092.
gnomAD v4.1: 859 of 1,614,112 alleles (0.053%); highest among the groups gnomAD compares: East Asian, 0.15%; 9 homozygotes.

Submissions (9):

Labcorp Genetics (formerly Invitae), Labcorp
Classification: Likely benign for Brugada syndrome. Last evaluated: 2026-01-27. Review status: criteria provided, single submitter. Criteria: Invitae Variant Classification Sherloc (09022015). Collection method: clinical testing. Allele origin: germline.

Women's Health and Genetics/Laboratory Corporation of America, LabCorp
Classification: Likely benign. Last evaluated: 2025-11-25. Review status: criteria provided, single submitter. Criteria: LabCorp Variant Classification Summary - May 2015. Collection method: clinical testing. Allele origin: germline.

PreventionGenetics, part of Exact Sciences
Classification: Benign for SCN10A-related condition. Last evaluated: 2025-10-16. Review status: criteria provided, single submitter. Criteria: ACMG Guidelines, 2015. Collection method: clinical testing. Allele origin: germline.
Comment: This variant is classified as benign based on ACMG/AMP sequence variant interpretation guidelines (Richards et al. 2015 PMID: 25741868, with internal and published modifications).

Blueprint Genetics
Classification: Likely benign. Last evaluated: 2024-10-25. Review status: criteria provided, single submitter. Criteria: ACMG Guidelines, 2015. Collection method: clinical testing. Allele origin: germline.

CeGaT Center for Human Genetics Tuebingen
Classification: Likely benign. Last evaluated: 2024-03-01. Review status: criteria provided, single submitter. Criteria: CeGaT Center For Human Genetics Tuebingen Variant Classification Criteria Version 2. Collection method: clinical testing. Allele origin: germline. Affected: yes. Observed: 3 variant alleles.
Comment: SCN10A: BS1

GeneDx
Classification: Benign. Last evaluated: 2019-05-22. Review status: criteria provided, single submitter. Criteria: GeneDx Variant Classification Process June 2021. Collection method: clinical testing. Allele origin: germline. Affected: yes.
Comment: This variant is associated with the following publications: (PMID: 27711072, 26733327, 24998131, 29016797, 30821013, 32948286)

Ambry Genetics
Classification: Benign for Cardiovascular phenotype. Last evaluated: 2019-03-02. Review status: criteria provided, single submitter. Criteria: Ambry Variant Classification Scheme 2023. Collection method: clinical testing. Allele origin: germline.

Clinical Genetics, Academic Medical Center
Classification: Likely benign. Review status: no assertion criteria provided. Collection method: clinical testing. Allele origin: germline. Affected: yes. Study: VKGL Data-share Consensus. Not counted in ClinVar's aggregate classification.

Joint Genome Diagnostic Labs from Nijmegen and Maastricht, Radboudumc and MUMC+
Classification: Likely benign. Review status: no assertion criteria provided. Collection method: clinical testing. Allele origin: germline. Affected: yes. Study: VKGL Data-share Consensus. Not counted in ClinVar's aggregate classification.

Literature cited by the submitters: PubMed 24998131 (cited by Ambry Genetics); PubMed 27711072 (cited by Ambry Genetics); PubMed 29016797 (cited by Ambry Genetics).

NM_006514.4(SCN10A):c.5605C>T (p.Arg1869Cys)

Gene: SCN10A (sodium voltage-gated channel alpha subunit 10; minus strand). Cytogenetic location: 3p22.2.
Variant type: single nucleotide variant.
Coding change: c.5605C>T on transcript NM_006514.4 (MANE Select); coding-DNA position 5605, C replaced by T.
Protein change: p.Arg1869Cys; replaces arginine 1869 with cysteine.
Molecular consequence: missense variant.
Genome position (GRCh38, 1-based): chr3:38,697,615, G>A on the plus strand (C>T on the coding strand, the complement: SCN10A is on the minus strand). VCF-style: chr3-38697615-G-A. GRCh37 (hg19) VCF-style: chr3-38739106-G-A.
Other names: c.5602C>T, p.Arg1868Cys (NM_001293306.2); c.5311C>T, p.Arg1771Cys (NM_001293307.2); short protein forms R1869C, R1868C, R1771C.
Identifiers: ClinVar variation 420024 (VCV000420024.46), dbSNP rs141648641, ClinGen allele CA2319641.
Genomic context (GRCh38, chr3:38,697,615, plus strand): 5'-GTGATGCAGCCTCCTCCTCAGCTCTGGGCACACATGGGGTGTTAGAGAGTGCCATGGAGC[G>A]GTGCAGCACATAGCTCCGATAGGCCTTTTGAATGACAGTGGCTGAAATGTCTTCTTGCTT-3'
Protein context (NP_006505.4, residues 1859-1879): QKAYRSYVLH[Arg1869Cys]SMALSNTPCV